The following is an entry in ClinVar:

ClinVar aggregate classification (germline): Uncertain significance (1 of 4 stars; one submission).

Allele frequency attached by ClinVar (database versions not stated): gnomAD 0.00001; TOPMed 0.00001.

Submission:

Labcorp Genetics (formerly Invitae), Labcorp
Classification: Uncertain significance. Last evaluated: 2025-11-17. Review status: criteria provided, single submitter. Criteria: Invitae Variant Classification Sherloc (09022015). Collection method: clinical testing. Allele origin: germline.
Comment: This sequence change replaces isoleucine, which is neutral and non-polar, with leucine, which is neutral and non-polar, at codon 94 of the ZCCHC8 protein (p.Ile94Leu). This variant is present in population databases (no rsID available, gnomAD 0.001%). This variant has not been reported in the literature in individuals affected with ZCCHC8-related conditions. ClinVar contains an entry for this variant (Variation ID: 1904848). Invitae Evidence Modeling of protein sequence and biophysical properties (such as structural, functional, and spatial information, amino acid conservation, physicochemical variation, residue mobility, and thermodynamic stability) indicates that this missense variant is not expected to disrupt ZCCHC8 protein function with a negative predictive value of 80%. In summary, the available evidence is currently insufficient to determine the role of this variant in disease. Therefore, it has been classified as a Variant of Uncertain Significance.

NM_017612.5(ZCCHC8):c.280A>T (p.Ile94Leu)

Gene: ZCCHC8 (zinc finger CCHC-type containing 8; minus strand). Cytogenetic location: 12q24.31.
Variant type: single nucleotide variant.
Coding change: c.280A>T on transcript NM_017612.5 (MANE Select); coding-DNA position 280, A replaced by T.
Protein change: p.Ile94Leu; replaces isoleucine 94 with leucine.
Molecular consequence: missense variant. On other transcripts: 5 prime UTR variant (3).
Genome position (GRCh38, 1-based): chr12:122,492,752, T>A on the plus strand (A>T on the coding strand, the complement: ZCCHC8 is on the minus strand). VCF-style: chr12-122492752-T-A. GRCh37 (hg19) VCF-style: chr12-122977299-T-A.
Other names: c.280A>T, p.Ile94Leu (NM_001350935.2); c.-18A>T (NM_001350936.2); c.-265A>T (NM_001350937.2); c.-159A>T (NM_001350938.2); short protein forms I94L.
Identifiers: ClinVar variation 1904848 (VCV001904848.5), dbSNP rs957281475, ClinGen allele CA244758462.